The following is an entry in ClinVar:

ClinVar aggregate classification (germline): Likely benign. Review status: criteria provided, multiple submitters, no conflicts (2 of 4 stars). 2 submissions from 2 submitters: Likely benign (2). Last evaluated 2026-05-08.

Conditions:
RETREG1-related disorder. Also called: RETREG1-related condition.

Allele frequency attached by ClinVar (database versions not stated): ExAC 0.00017; 1000 Genomes Project 0.00020; 1000 Genomes Project 30x 0.00031.
gnomAD v4.1: 90 of 1,594,912 alleles (0.0056%); highest among the groups gnomAD compares: South Asian, 0.097%; no homozygotes.

Submissions (2):

PreventionGenetics, part of Exact Sciences
Classification: Likely benign for RETREG1-related condition. Last evaluated: 2026-05-08. Review status: criteria provided, single submitter. Criteria: ACMG Guidelines, 2015. Collection method: clinical testing. Allele origin: germline.
Comment: This variant is classified as likely benign based on ACMG/AMP sequence variant interpretation guidelines (Richards et al. 2015 PMID: 25741868, with internal and published modifications).

Labcorp Genetics (formerly Invitae), Labcorp
Classification: Likely benign. Last evaluated: 2025-05-11. Review status: criteria provided, single submitter. Criteria: Invitae Variant Classification Sherloc (09022015). Collection method: clinical testing. Allele origin: germline.

NM_001034850.3(RETREG1):c.276G>T (p.Pro92=)

Genes: RETREG1 (reticulophagy regulator 1; minus strand), RETREG1-AS1 (RETREG1 antisense RNA 1; plus strand). Cytogenetic location: 5p15.1.
Variant type: single nucleotide variant.
Coding change: c.276G>T on transcript NM_001034850.3 (MANE Select); coding-DNA position 276, G replaced by T.
Protein change: p.Pro92=; no amino-acid change (proline 92 retained).
Molecular consequence: synonymous variant.
Genome position (GRCh38, 1-based): chr5:16,616,696, C>A on the plus strand (G>T on the coding strand, the complement: RETREG1 is on the minus strand). VCF-style: chr5-16616696-C-A. GRCh37 (hg19) VCF-style: chr5-16616805-C-A.
Other names: c.276G>T (NM_001034850.2).
Identifiers: ClinVar variation 1101814 (VCV001101814.10), dbSNP rs561114434, ClinGen allele CA3210525.